The following is an entry in ClinVar:

NM_001048174.2(MUTYH):c.281A>G (p.Asp94Gly)

Gene: MUTYH (mutY DNA glycosylase; minus strand). Cytogenetic location: 1p34.1.
Variant type: single nucleotide variant.
Coding change: c.281A>G on transcript NM_001048174.2 (MANE Select); coding-DNA position 281, A replaced by G.
Protein change: p.Asp94Gly; replaces aspartic acid 94 with glycine.
Molecular consequence: missense variant. On other transcripts: non-coding transcript variant (7).
Genome position (GRCh38, 1-based): chr1:45,333,308, T>C on the plus strand (A>G on the coding strand, the complement: MUTYH is on the minus strand). VCF-style: chr1-45333308-T-C. GRCh37 (hg19) VCF-style: chr1-45798980-T-C.
Other names: c.281A>G, p.Asp94Gly (NM_001048171.2, NM_001048173.2, NM_001293195.2 and 6 more transcripts); c.284A>G, p.Asp95Gly (NM_001048172.2, NM_001407071.1, NM_001407078.1 and 2 more transcripts); c.365A>G, p.Asp122Gly (NM_001128425.2); c.326A>G, p.Asp109Gly (NM_001293190.2); c.314A>G, p.Asp105Gly (NM_001293191.2, NM_001407077.1); c.5A>G, p.Asp2Gly (NM_001293192.2, NM_001293196.2, NM_001407091.1); c.10A>G, p.Thr4Ala (NM_001350650.2, NM_001350651.2, NM_001407082.1); c.356A>G, p.Asp119Gly (NM_001407069.1, NM_012222.3); and 3 more; short protein forms D105G, D108G, D94G, D119G, D95G, T4A, D101G, D122G.
Identifiers: ClinVar variation 4113633 (VCV004113633.1).

ClinVar aggregate classification (germline): Uncertain significance (1 of 4 stars; one submission).

Conditions:
Hereditary cancer-predisposing syndrome. Also called: Hereditary neoplastic syndrome; Neoplastic Syndromes, Hereditary; Tumor predisposition; Hereditary Cancer Syndrome. Identifiers: Orphanet 140162, MedGen C0027672, MeSH D009386, MONDO:0015356.

Submission:

Ambry Genetics
Classification: Uncertain significance for Hereditary cancer-predisposing syndrome. Last evaluated: 2025-08-27. Review status: criteria provided, single submitter. Criteria: Ambry Variant Classification Scheme 2023. Collection method: clinical testing. Allele origin: germline.
Comment: The p.D122G variant (also known as c.365A>G), located in coding exon 4 of the MUTYH gene, results from an A to G substitution at nucleotide position 365. The aspartic acid at codon 122 is replaced by glycine, an amino acid with similar properties. This amino acid position is conserved. In addition, this alteration is predicted to be tolerated by in silico analysis. Based on the available evidence, the clinical significance of this variant remains unclear.